The following is an entry in ClinVar:

ClinVar aggregate classification (germline): Uncertain significance. Review status: criteria provided, multiple submitters, no conflicts (2 of 4 stars). 5 submissions from 5 submitters: Uncertain significance (5). Last evaluated 2024-01-30.

Conditions:
Basal cell carcinoma, susceptibility to, 1. Also called: BCC1. Identifiers: MedGen C2751544, MONDO:0011556, OMIM 605462.
Gorlin syndrome. Also called: Nevoid Basal Cell Carcinoma Syndrome; Basal cell nevus syndrome. Identifiers: Orphanet 377, MedGen C0004779, MONDO:0007187.
Hereditary cancer-predisposing syndrome. Also called: Hereditary neoplastic syndrome; Neoplastic Syndromes, Hereditary; Tumor predisposition; Hereditary Cancer Syndrome. Identifiers: Orphanet 140162, MedGen C0027672, MeSH D009386, MONDO:0015356.

Allele frequency attached by ClinVar (database versions not stated): gnomAD exomes below 0.00001; TOPMed below 0.00001; gnomAD 0.00001.
gnomAD v4.1: 2 of 1,613,056 alleles (0.00012%); highest among the groups gnomAD compares: African/African-American, 0.0013%; no homozygotes.

Submissions (5):

Baylor Genetics
Classification: Uncertain significance for Basal cell carcinoma, susceptibility to, 1. Last evaluated: 2024-01-30. Review status: criteria provided, single submitter. Criteria: ACMG Guidelines, 2015. Collection method: clinical testing. Allele origin: unknown.

GeneDx
Classification: Uncertain significance. Last evaluated: 2023-12-28. Review status: criteria provided, single submitter. Criteria: GeneDx Variant Classification Process June 2021. Collection method: clinical testing. Allele origin: germline. Affected: yes.
Comment: Not observed at significant frequency in large population cohorts (gnomAD); In silico analysis supports that this missense variant does not alter protein structure/function; Has not been previously published as pathogenic or benign to our knowledge

Ambry Genetics
Classification: Uncertain significance for Hereditary cancer-predisposing syndrome. Last evaluated: 2023-11-20. Review status: criteria provided, single submitter. Criteria: Ambry Variant Classification Scheme 2023. Collection method: clinical testing. Allele origin: germline.
Comment: The p.T1372A variant (also known as c.4114A>G), located in coding exon 23 of the PTCH1 gene, results from an A to G substitution at nucleotide position 4114. The threonine at codon 1372 is replaced by alanine, an amino acid with similar properties. This amino acid position is highly conserved in available vertebrate species. In addition, this alteration is predicted to be deleterious by in silico analysis. Since supporting evidence is limited at this time, the clinical significance of this alteration remains unclear.

Quest Diagnostics Nichols Institute San Juan Capistrano
Classification: Uncertain significance. Last evaluated: 2023-06-02. Review status: criteria provided, single submitter. Criteria: Quest Diagnostics criteria. Collection method: clinical testing. Allele origin: unknown.
Comment: This variant has not been reported in the published literature. The frequency of this variant in the general population, 0.0000066 (1/152060 chromosomes (Genome Aggregation Database)), is uninformative in the assessment of its pathogenicity. Analysis of this variant using bioinformatics tools for the prediction of the effect of amino acid changes on protein structure and function yielded predictions that this variant is damaging. Based on the available information, we are unable to determine the clinical significance of this variant.

Labcorp Genetics (formerly Invitae), Labcorp
Classification: Uncertain significance for Gorlin syndrome. Last evaluated: 2023-05-31. Review status: criteria provided, single submitter. Criteria: Invitae Variant Classification Sherloc (09022015). Collection method: clinical testing. Allele origin: germline.
Comment: This sequence change replaces threonine, which is neutral and polar, with alanine, which is neutral and non-polar, at codon 1372 of the PTCH1 protein (p.Thr1372Ala). This variant is not present in population databases (gnomAD no frequency). This variant has not been reported in the literature in individuals affected with PTCH1-related conditions. ClinVar contains an entry for this variant (Variation ID: 1000142). Advanced modeling of protein sequence and biophysical properties (such as structural, functional, and spatial information, amino acid conservation, physicochemical variation, residue mobility, and thermodynamic stability) performed at Invitae indicates that this missense variant is not expected to disrupt PTCH1 protein function. In summary, the available evidence is currently insufficient to determine the role of this variant in disease. Therefore, it has been classified as a Variant of Uncertain Significance.

NM_000264.5(PTCH1):c.4114A>G (p.Thr1372Ala)

Gene: PTCH1 (patched 1; minus strand). Cytogenetic location: 9q22.32.
Variant type: single nucleotide variant.
Coding change: c.4114A>G on transcript NM_000264.5 (MANE Select); coding-DNA position 4114, A replaced by G.
Protein change: p.Thr1372Ala; replaces threonine 1372 with alanine.
Molecular consequence: missense variant. On other transcripts: non-coding transcript variant (1).
Genome position (GRCh38, 1-based): chr9:95,447,142, T>C on the plus strand (A>G on the coding strand, the complement: PTCH1 is on the minus strand). VCF-style: chr9-95447142-T-C. GRCh37 (hg19) VCF-style: chr9-98209424-T-C.
Other names: c.4114A>G (NM_000264.4); c.3916A>G, p.Thr1306Ala (NM_001083602.3); c.4111A>G, p.Thr1371Ala (NM_001083603.3); c.3661A>G, p.Thr1221Ala (NM_001083604.3, NM_001083605.3, NM_001083606.3 and 1 more transcripts); c.3958A>G, p.Thr1320Ala (NM_001354918.2); short protein forms T1221A, T1306A, T1320A, T1371A, T1372A.
Identifiers: ClinVar variation 1000142 (VCV001000142.12), dbSNP rs1837997051, ClinGen allele CA374110288.